The following is an entry in ClinVar:

ClinVar aggregate classification (germline): Uncertain significance (1 of 4 stars; one submission).

gnomAD v4.1: 2 of 1,613,948 alleles (0.00012%); highest among the groups gnomAD compares: African/African-American, 0.0027%; no homozygotes.

Submission:

GeneDx
Classification: Uncertain significance. Last evaluated: 2025-03-21. Review status: criteria provided, single submitter. Criteria: GeneDx Variant Classification Process June 2021. Collection method: clinical testing. Allele origin: germline. Affected: yes.
Comment: Not observed at significant frequency in large population cohorts (gnomAD); In silico analysis indicates that this missense variant does not alter protein structure/function; Has not been previously published as pathogenic or benign to our knowledge

NM_014159.7(SETD2):c.7228G>A (p.Val2410Met)

Gene: SETD2 (SET domain containing 2, histone lysine methyltransferase; minus strand). Cytogenetic location: 3p21.31.
Variant type: single nucleotide variant.
Coding change: c.7228G>A on transcript NM_014159.7 (MANE Select); coding-DNA position 7228, G replaced by A.
Protein change: p.Val2410Met; replaces valine 2410 with methionine.
Molecular consequence: missense variant. On other transcripts: non-coding transcript variant (1).
Genome position (GRCh38, 1-based): chr3:47,042,571, C>T on the plus strand (G>A on the coding strand, the complement: SETD2 is on the minus strand). VCF-style: chr3-47042571-C-T. GRCh37 (hg19) VCF-style: chr3-47084061-C-T.
Other names: c.7096G>A, p.Val2366Met (NM_001349370.3); short protein forms V2366M, V2410M.
Identifiers: ClinVar variation 4086323 (VCV004086323.1).